The following is an entry in ClinVar:

NM_000132.4(F8):c.6429+10901G>A

Genes: F8 (coagulation factor VIII; minus strand), H2AB1 (H2A.B variant histone 1; plus strand), LOC106146150 (int22h-1 recombination region; plus strand). Cytogenetic location: Xq28.
Variant type: single nucleotide variant.
Coding change: c.6429+10901G>A on transcript NM_000132.4 (MANE Select); 10901 bases into the intron after coding-DNA position 6429, G replaced by A.
Molecular consequence: intron variant. On other transcripts: missense variant (1).
Genome position (GRCh38, 1-based): chrX:154,885,176, C>T on the plus strand (G>A on the coding strand, the complement: F8 is on the minus strand). VCF-style: chrX-154885176-C-T. GRCh37 (hg19) VCF-style: chrX-154113451-C-T.
Other names: NM_019863.3:c.24+958G>A; c.127C>T, p.His43Tyr (NM_001017990.2); c.24+958G>A (NM_019863.3); short protein forms H43Y.
Identifiers: ClinVar variation 4538568 (VCV004538568.1).
Genomic context (GRCh38, chrX:154,885,176, plus strand): 5'-ACCGTCCGAGCGGAGCTTTCGTTTTCAGTGAGCCAGGTGGAGCGCAGTCTACGGGAGGGC[C>T]ACTACGCTCAGCGCCTGAGTCGCACGGCGCCGGTCTACCTCGCTGCGGTTATTGAGTACC-3'

ClinVar aggregate classification (germline): Uncertain significance (3 of 4 stars; one submission).

Conditions:
Hereditary factor VIII deficiency disease (HEMA). Also called: HEMOPHILIA, CLASSIC; AUTOSOMAL HEMOPHILIA A; Hemophilia A; Hemophilia A, congenital; HEM A; Factor 8 deficiency, congenital. Identifiers: Orphanet 98878, MedGen C0019069, MONDO:0010602, OMIM 306700.

Submission:

ClinGen Coagulation Factor Deficiency Variant Curation Expert Panel, Clingen
Classification: Uncertain significance for Hereditary factor VIII deficiency disease. Last evaluated: 2025-10-03. Review status: reviewed by expert panel. Criteria: ClinGen CoagFactor ACMG Specifications F8 V1.0.0. Collection method: curation. Allele origin: germline. Inheritance: X-linked inheritance.
Comment: The c.6429_10901G>A variant is absent from males in gnomAD v2.1.1/v3.1 meeting PM2_Supporting. This intronic variant is predicted by Splice AI to have no impact on splicing meeting BP4; however, the nucleotide is conserved based on agreement between PhyloP (1.6) and PhastCons (0.0561) scores greater than the thresholds 0.1 and 0.5 respectively. In summary, this variant meets criteria to be classified as a variant of uncertain significance. ACMG/AMP criteria applied, as specified by the Coagulation Factor Deficiency Variant Curation Expert Panel for F8/F9: PM2_Supporting, BP4.